The following is an entry in ClinVar:

ClinVar aggregate classification (germline): Conflicting classifications of pathogenicity. Review status: criteria provided, conflicting classifications (1 of 4 stars). 6 submissions from 6 submitters: Uncertain significance (3); Likely benign (2). 1 of the submissions does not count toward it. Last evaluated 2025-12-10.

Conditions:
Hereditary cancer-predisposing syndrome. Also called: Neoplastic Syndromes, Hereditary; Hereditary Cancer Syndrome; Tumor predisposition; Hereditary neoplastic syndrome. Identifiers: Orphanet 140162, MedGen C0027672, MeSH D009386, MONDO:0015356.
Fanconi anemia, complementation group S (FANCS). Identifiers: MedGen C4554406, MONDO:0054748, OMIM 617883.
Hereditary breast ovarian cancer syndrome. Also called: Hereditary breast and ovarian cancer; Hereditary breast and/or ovarian cancer syndrome; Hereditary breast and ovarian cancer syndrome; Hereditary breast and ovarian cancer syndrome (HBOC); Breast and ovarian cancer; BRCA1- and BRCA2-Associated Hereditary Breast and Ovarian Cancer. Identifiers: Orphanet 145, MedGen C0677776, MeSH D061325, MONDO:0003582. Disease mechanism: loss of function.
Familial cancer of breast. Also called: Hereditary breast cancer; BREAST CANCER, FAMILIAL; hereditary breast carcinoma. Identifiers: Orphanet 227535, MedGen C0346153, MONDO:0016419, OMIM 114480. Disease mechanism: loss of function.

gnomAD v4.1: 1 of 1,613,500 alleles (0.000062%); highest among the groups gnomAD compares: East Asian, 0.0022%; no homozygotes.

Submissions (6):

Labcorp Genetics (formerly Invitae), Labcorp
Classification: Uncertain significance for Hereditary breast ovarian cancer syndrome. Last evaluated: 2025-12-10. Review status: criteria provided, single submitter. Criteria: Invitae Variant Classification Sherloc (09022015). Collection method: clinical testing. Allele origin: germline.
Comment: This sequence change replaces glycine, which is neutral and non-polar, with serine, which is neutral and polar, at codon 1350 of the BRCA1 protein (p.Gly1350Ser). This variant is present in population databases (no rsID available, gnomAD 0.006%). This missense change has been observed in individual(s) with breast cancer and ovarian cancer (PMID: 35918668). ClinVar contains an entry for this variant (Variation ID: 1376445). Invitae Evidence Modeling of protein sequence and biophysical properties (such as structural, functional, and spatial information, amino acid conservation, physicochemical variation, residue mobility, and thermodynamic stability) indicates that this missense variant is not expected to disrupt BRCA1 protein function with a negative predictive value of 80%. In summary, the available evidence is currently insufficient to determine the role of this variant in disease. Therefore, it has been classified as a Variant of Uncertain Significance.

Women's Health and Genetics/Laboratory Corporation of America, LabCorp
Classification: Uncertain significance. Last evaluated: 2025-09-17. Review status: criteria provided, single submitter. Criteria: LabCorp Variant Classification Summary - May 2015. Collection method: clinical testing. Allele origin: germline.
Comment: Variant summary: BRCA1 c.4048G>A (p.Gly1350Ser) results in a non-conservative amino acid change in the encoded protein sequence. Algorithms developed to predict the effect of missense changes on protein structure and function are either unavailable or do not agree on the potential impact of this missense change. The variant allele was found at a frequency of 4e-06 in 251066 control chromosomes (gnomAD). The available data on variant occurrences in the general population are insufficient to allow any conclusion about variant significance. c.4048G>A has been observed in individual affected with breast or ovarian cancer without strong evidence of causality (Zhang_2022). This report does not provide unequivocal conclusions about association of the variant with Hereditary Breast And Ovarian Cancer Syndrome. To our knowledge, no experimental evidence demonstrating an impact on protein function has been reported. The following publication has been ascertained in the context of this evaluation (PMID: 35918668). ClinVar contains an entry for this variant (Variation ID: 1376445). Based on the evidence outlined above, the variant was classified as uncertain significance.

Department of Pathology and Laboratory Medicine, Sinai Health System
Classification: Likely benign for Fanconi anemia, complementation group S. Last evaluated: 2024-10-16. Review status: criteria provided, single submitter. Criteria: ACMG Guidelines, 2015. Collection method: clinical testing. Allele origin: germline.

Ambry Genetics
Classification: Uncertain significance for Hereditary cancer-predisposing syndrome. Last evaluated: 2023-10-24. Review status: criteria provided, single submitter. Criteria: Ambry Variant Classification Scheme 2023. Collection method: clinical testing. Allele origin: germline.
Comment: The p.G1350S variant (also known as c.4048G>A), located in coding exon 9 of the BRCA1 gene, results from a G to A substitution at nucleotide position 4048. The glycine at codon 1350 is replaced by serine, an amino acid with similar properties. This alteration was identified in an individual diagnosed with breast and/or ovarian cancer (Zhang Y et al. BMC Cancer, 2022 Aug;22:842). This amino acid position is not well conserved in available vertebrate species. In addition, the in silico prediction for this alteration is inconclusive. Since supporting evidence is limited at this time, the clinical significance of this alteration remains unclear.

University of Washington Department of Laboratory Medicine, University of Washington
Classification: Likely benign for Hereditary cancer-predisposing syndrome. Last evaluated: 2023-03-23. Review status: criteria provided, single submitter. Criteria: Dines et al. (Genet Med. 2020). Collection method: curation. Allele origin: germline.
Comment: Missense variant in a coldspot region where missense variants are very unlikely to be pathogenic (PMID:31911673).

BRCA1 coldspot (exon 11 using historical exon numbering). Reclassification based on statistical prior probability

Center for Precision Medicine, Meizhou People's Hospital
Classification: Uncertain significance for Familial cancer of breast. Review status: no assertion criteria provided. Collection method: curation. Allele origin: germline. Affected: yes. Not counted in ClinVar's aggregate classification.

Literature cited by the submitters: PubMed 35918668 (cited by 4 submitters); PubMed 33471991 (cited by Department of Pathology and Laboratory Medicine, Sinai Health System).

NM_007294.4(BRCA1):c.4048G>A (p.Gly1350Ser)

Genes: BRCA1 (BRCA1 DNA repair associated; minus strand), LOC126862571 (BRD4-independent group 4 enhancer GRCh37_chr17:41243136-41244335; plus strand). Cytogenetic location: 17q21.31.
Variant type: single nucleotide variant.
Coding change: c.4048G>A on transcript NM_007294.4 (MANE Select); coding-DNA position 4048, G replaced by A.
Protein change: p.Gly1350Ser; replaces glycine 1350 with serine.
Molecular consequence: missense variant. On other transcripts: intron variant (135).
Genome position (GRCh38, 1-based): chr17:43,091,483, C>T on the plus strand (G>A on the coding strand, the complement: BRCA1 is on the minus strand). VCF-style: chr17-43091483-C-T. GRCh37 (hg19) VCF-style: chr17-41243500-C-T.
Other names: c.3835G>A, p.Gly1279Ser (NM_001407571.1, NM_001407853.1, NM_001407894.1 and 9 more transcripts); c.4048G>A, p.Gly1350Ser (NM_001407581.1, NM_001407582.1, NM_001407583.1 and 30 more transcripts); c.4045G>A, p.Gly1349Ser (NM_001407587.1, NM_001407590.1, NM_001407591.1 and 22 more transcripts); c.4039G>A, p.Gly1347Ser (NM_001407646.1, NM_001407647.1); c.3925G>A, p.Gly1309Ser (NM_001407648.1, NM_001407664.1, NM_001407665.1 and 19 more transcripts); c.3922G>A, p.Gly1308Ser (NM_001407649.1, NM_001407670.1, NM_001407671.1 and 11 more transcripts); c.3970G>A, p.Gly1324Ser (NM_001407653.1, NM_001407654.1, NM_001407655.1 and 4 more transcripts); c.3967G>A, p.Gly1323Ser (NM_001407659.1, NM_001407660.1, NM_001407661.1 and 1 more transcripts); and 41 more; short protein forms G1303S, G1350S, G1223S, G1239S, G1261S, G1280S, G1282S, G1308S.
Identifiers: ClinVar variation 1376445 (VCV001376445.15), dbSNP rs748674194, ClinGen allele CA10593866.